The following is an entry in ClinVar:

ClinVar aggregate classification (germline): Pathogenic (3 of 4 stars; one submission).

Conditions:
Breast-ovarian cancer, familial, susceptibility to, 2 (BROVCA2). Also called: BRCA2 Hereditary Breast and Ovarian Cancer. Identifiers: Orphanet 145, MedGen C2675520, MONDO:0012933, OMIM 612555. Disease mechanism: loss of function.

Submission:

Evidence-based Network for the Interpretation of Germline Mutant Alleles (ENIGMA)
Classification: Pathogenic for Breast-ovarian cancer, familial, susceptibility to, 2. Last evaluated: 2017-12-15. Review status: reviewed by expert panel. Criteria: ENIGMA BRCA1/2 Classification Criteria (2017-06-29). Collection method: curation. Allele origin: germline. Study: ENIGMA.
Comment: Variant allele predicted to encode a truncated non-functional protein.

NM_000059.4(BRCA2):c.8227_8228insA (p.Gly2743fs)

Gene: BRCA2 (BRCA2 DNA repair associated; plus strand). Cytogenetic location: 13q13.1.
Variant type: Insertion.
Coding change: c.8227_8228insA on transcript NM_000059.4 (MANE Select); coding-DNA positions 8227 to 8228, A inserted.
Protein change: p.Gly2743fs; shifts the reading frame from glycine 2743.
Molecular consequence: frameshift variant.
Genome position: GRCh38 VCF-style: chr13-32363429-G-GA. GRCh37 (hg19) VCF-style: chr13-32937566-G-GA.
Other names: short protein forms G2743fs.
Identifiers: ClinVar variation 548418 (VCV000548418.1), dbSNP rs1555287052, ClinGen allele CA658823563.
Genomic context (GRCh38, chr13:32,363,429, plus strand): 5'-GATGGGTGGTATGCTGTTAAGGCCCAGTTAGATCCTCCCCTCTTAGCTGTCTTAAAGAAT[G>GA]GCAGACTGACAGTTGGTCAGAAGATTATTCTTCATGGAGCAGAACTGGTGGGCTCTCCTG-3'